The following is an entry in ClinVar:

ClinVar aggregate classification (germline): Uncertain significance (0 of 4 stars; one submission).

Conditions:
ADCY3-related disorder. Also called: ADCY3-related condition.

gnomAD v4.1: 31 of 1,613,948 alleles (0.0019%); highest among the groups gnomAD compares: Admixed American, 0.0033%; no homozygotes.

Submission:

PreventionGenetics, part of Exact Sciences
Classification: Uncertain significance for ADCY3-related condition. Last evaluated: 2024-01-04. Review status: no assertion criteria provided. Collection method: clinical testing. Allele origin: germline.
Comment: The ADCY3 c.1571G>C variant is predicted to result in the amino acid substitution p.Ser524Thr. To our knowledge, this variant has not been reported in the literature. This variant is reported in 0.0058% of alleles in individuals of Latino descent in gnomAD. At this time, the clinical significance of this variant is uncertain due to the absence of conclusive functional and genetic evidence.

NM_004036.5(ADCY3):c.1571G>C (p.Ser524Thr)

Gene: ADCY3 (adenylate cyclase 3; minus strand). Cytogenetic location: 2p23.3.
Variant type: single nucleotide variant.
Coding change: c.1571G>C on transcript NM_004036.5 (MANE Select); coding-DNA position 1571, G replaced by C.
Protein change: p.Ser524Thr; replaces serine 524 with threonine.
Molecular consequence: missense variant.
Genome position (GRCh38, 1-based): chr2:24,837,008, C>G on the plus strand (G>C on the coding strand, the complement: ADCY3 is on the minus strand). VCF-style: chr2-24837008-C-G. GRCh37 (hg19) VCF-style: chr2-25059877-C-G.
Other names: c.1571G>C, p.Ser524Thr (NM_001320613.2, NM_001377129.1, NM_001377130.1 and 1 more transcripts); c.1637G>C, p.Ser546Thr (NM_001377128.1); c.848G>C, p.Ser283Thr (NM_001377131.1); short protein forms S283T, S524T, S546T.
Identifiers: ClinVar variation 3356394 (VCV003356394.1).